The following is an entry in ClinVar:

NM_000264.5(PTCH1):c.3884C>A (p.Pro1295His)

Gene: PTCH1 (patched 1; minus strand). Cytogenetic location: 9q22.32.
Variant type: single nucleotide variant.
Coding change: c.3884C>A on transcript NM_000264.5 (MANE Select); coding-DNA position 3884, C replaced by A.
Protein change: p.Pro1295His; replaces proline 1295 with histidine.
Molecular consequence: missense variant. On other transcripts: non-coding transcript variant (1).
Genome position (GRCh38, 1-based): chr9:95,447,372, G>T on the plus strand (C>A on the coding strand, the complement: PTCH1 is on the minus strand). VCF-style: chr9-95447372-G-T. GRCh37 (hg19) VCF-style: chr9-98209654-G-T.
Other names: c.3686C>A, p.Pro1229His (NM_001083602.3); c.3881C>A, p.Pro1294His (NM_001083603.3); c.3431C>A, p.Pro1144His (NM_001083604.3, NM_001083605.3, NM_001083606.3 and 1 more transcripts); c.3728C>A, p.Pro1243His (NM_001354918.2); short protein forms P1144H, P1229H, P1243H, P1294H, P1295H.
Identifiers: ClinVar variation 4532901 (VCV004532901.1).

ClinVar aggregate classification (germline): Uncertain significance (1 of 4 stars; one submission).

Submission:

Quest Diagnostics Nichols Institute San Juan Capistrano
Classification: Uncertain significance. Last evaluated: 2025-05-16. Review status: criteria provided, single submitter. Criteria: Quest Diagnostics criteria. Collection method: clinical testing. Allele origin: unknown.
Comment: The PTCH1 c.3884C>A (p.Pro1295His) variant has not been reported in individuals with PTCH1-related conditions in the published literature. It also has not been reported in large, multi-ethnic general populations (Genome Aggregation Database). Analysis of this variant using bioinformatics tools for the prediction of the effect of amino acid changes on protein structure and function yielded predictions that this variant is benign. Based on the available information, we are unable to determine the clinical significance of this variant.